The following is an entry in ClinVar:

NM_001009944.3(PKD1):c.12406A>T (p.Arg4136Trp)

Gene: PKD1 (polycystin 1, transient receptor potential channel interacting; minus strand). Cytogenetic location: 16p13.3.
Variant type: single nucleotide variant.
Coding change: c.12406A>T on transcript NM_001009944.3 (MANE Select); coding-DNA position 12406, A replaced by T.
Protein change: p.Arg4136Trp; replaces arginine 4136 with tryptophan.
Molecular consequence: missense variant.
Genome position (GRCh38, 1-based): chr16:2,090,323, T>A on the plus strand (A>T on the coding strand, the complement: PKD1 is on the minus strand). VCF-style: chr16-2090323-T-A. GRCh37 (hg19) VCF-style: chr16-2140324-T-A.
Other names: c.12403A>T, p.Arg4135Trp (NM_000296.4); short protein forms R4135W, R4136W.
Identifiers: ClinVar variation 1704809 (VCV001704809.2), dbSNP rs2544584787, ClinGen allele CA394324706.
Genomic context (GRCh38, chr16:2,090,323, plus strand): 5'-CCCCCCACTGGGCCGTACCCACCTCCTTGACCTTGCTGAGGCCCATCCAGAGGCGCAGCC[T>A]GCGCAGGAACAACTCCACCATCTCGTAGTCCTGGGGCTCCCAGGCCGGCCGGTACAGCTC-3'
Protein context (NP_001009944.3, residues 4126-4146): DYEMVELFLR[Arg4136Trp]LRLWMGLSKV

ClinVar aggregate classification (germline): Uncertain significance (1 of 4 stars; one submission).

Submission:

GeneDx
Classification: Uncertain significance. Last evaluated: 2022-03-08. Review status: criteria provided, single submitter. Criteria: GeneDx Variant Classification Process June 2021. Collection method: clinical testing. Allele origin: germline. Affected: yes.
Comment: Not observed at significant frequency in large population cohorts (gnomAD); In silico analysis supports that this missense variant has a deleterious effect on protein structure/function; Has not been previously published as pathogenic or benign to our knowledge